The following is an entry in ClinVar:

NM_199242.3(UNC13D):c.2161T>C (p.Trp721Arg)

Gene: UNC13D (unc-13 homolog D; minus strand). Cytogenetic location: 17q25.1.
Variant type: single nucleotide variant.
Coding change: c.2161T>C on transcript NM_199242.3 (MANE Select); coding-DNA position 2161, T replaced by C.
Protein change: p.Trp721Arg; replaces tryptophan 721 with arginine.
Molecular consequence: missense variant.
Genome position (GRCh38, 1-based): chr17:75,834,462, A>G on the plus strand (T>C on the coding strand, the complement: UNC13D is on the minus strand). VCF-style: chr17-75834462-A-G. GRCh37 (hg19) VCF-style: chr17-73830543-A-G.
Other names: short protein forms W721R.
Identifiers: ClinVar variation 2111939 (VCV002111939.3), dbSNP rs754973285, ClinGen allele CA8772650.
Genomic context (GRCh38, chr17:75,834,462, plus strand): 5'-GCGTGTTCTGCAGCTGCCCCTGCTCCAGCACGGCCCCTACCCGCTGCTCCAGGGCCTCCC[A>G]TGCCAGCTGGGCGGGCAACTTGCCGATCACCAGCCGCAGCTGCTCCATGTCATTCACCAC-3'
Protein context (NP_954712.1, residues 711-731): VIGKLPAQLA[Trp721Arg]EALEQRVGAV

ClinVar aggregate classification (germline): Uncertain significance (1 of 4 stars; one submission).

Conditions:
Familial hemophagocytic lymphohistiocytosis 3 (FHL3). Also called: UNC13D-Related Familial Hemophagocytic Lymphohistiocytosis (UNC13D-fHLH). Identifiers: Orphanet 540, MedGen C1837174, MONDO:0012146, OMIM 608898.

Allele frequency attached by ClinVar (database versions not stated): gnomAD exomes below 0.00001; gnomAD 0.00001; TOPMed 0.00001; ExAC 0.00003.
gnomAD v4.1: 5 of 1,565,012 alleles (0.00032%); highest among the groups gnomAD compares: South Asian, 0.0012%; no homozygotes.

Submission:

Labcorp Genetics (formerly Invitae), Labcorp
Classification: Uncertain significance for Familial hemophagocytic lymphohistiocytosis 3. Last evaluated: 2024-08-10. Review status: criteria provided, single submitter. Criteria: Invitae Variant Classification Sherloc (09022015). Collection method: clinical testing. Allele origin: germline.
Comment: This sequence change replaces tryptophan, which is neutral and slightly polar, with arginine, which is basic and polar, at codon 721 of the UNC13D protein (p.Trp721Arg). The frequency data for this variant in the population databases is considered unreliable, as metrics indicate poor data quality at this position in the gnomAD database. This variant has not been reported in the literature in individuals affected with UNC13D-related conditions. ClinVar contains an entry for this variant (Variation ID: 2111939). Advanced modeling of protein sequence and biophysical properties (such as structural, functional, and spatial information, amino acid conservation, physicochemical variation, residue mobility, and thermodynamic stability) performed at Invitae indicates that this missense variant is expected to disrupt UNC13D protein function with a positive predictive value of 80%. In summary, the available evidence is currently insufficient to determine the role of this variant in disease. Therefore, it has been classified as a Variant of Uncertain Significance.